The following is an entry in ClinVar:

NM_001184.4(ATR):c.2279C>T (p.Ala760Val)

Gene: ATR (ATR serine/threonine kinase; minus strand). Cytogenetic location: 3q23.
Variant type: single nucleotide variant.
Coding change: c.2279C>T on transcript NM_001184.4 (MANE Select); coding-DNA position 2279, C replaced by T.
Protein change: p.Ala760Val; replaces alanine 760 with valine.
Molecular consequence: missense variant.
Genome position (GRCh38, 1-based): chr3:142,555,939, G>A on the plus strand (C>T on the coding strand, the complement: ATR is on the minus strand). VCF-style: chr3-142555939-G-A. GRCh37 (hg19) VCF-style: chr3-142274781-G-A.
Other names: c.2087C>T, p.Ala696Val (NM_001354579.2); short protein forms A696V, A760V.
Identifiers: ClinVar variation 3330969 (VCV003330969.1).

ClinVar aggregate classification (germline): Uncertain significance (1 of 4 stars; one submission).

Conditions:
Inborn genetic diseases. Identifiers: MedGen C0950123, MeSH D030342.

gnomAD v4.1: 2 of 1,612,976 alleles (0.00012%); highest among the groups gnomAD compares: East Asian, 0.0022%; no homozygotes.

Submission:

Ambry Genetics
Classification: Uncertain significance for Inborn genetic diseases. Last evaluated: 2024-03-23. Review status: criteria provided, single submitter. Criteria: Ambry Variant Classification Scheme 2023. Collection method: clinical testing. Allele origin: germline.
Comment: The p.A760V variant (also known as c.2279C>T), located in coding exon 10 of the ATR gene, results from a C to T substitution at nucleotide position 2279. The alanine at codon 760 is replaced by valine, an amino acid with similar properties. This amino acid position is conserved. In addition, this alteration is predicted to be tolerated by in silico analysis. Based on the available evidence, the clinical significance of this alteration remains unclear.